The following is an entry in ClinVar:

ClinVar aggregate classification (germline): Uncertain significance. Review status: criteria provided, multiple submitters, no conflicts (2 of 4 stars). 2 submissions from 2 submitters: Uncertain significance (2). Last evaluated 2025-06-16.

Conditions:
Autosomal recessive limb-girdle muscular dystrophy type 2J (LGMDR10). Also called: Limb-girdle muscular dystrophy, type 2J; MUSCULAR DYSTROPHY, LIMB-GIRDLE, AUTOSOMAL RECESSIVE 10. Identifiers: Orphanet 140922, MedGen C1837342, MONDO:0012127, OMIM 608807.
Dilated cardiomyopathy 1G (CMD1G). Identifiers: Orphanet 154, MedGen C1858763, MONDO:0011400, OMIM 604145.

Submissions (2):

Revvity Omics, Revvity
Classification: Uncertain significance. Last evaluated: 2025-06-16. Review status: criteria provided, single submitter. Criteria: ACMG Guidelines, 2015. Collection method: clinical testing. Allele origin: germline.

Labcorp Genetics (formerly Invitae), Labcorp
Classification: Uncertain significance for Dilated cardiomyopathy 1G; Autosomal recessive limb-girdle muscular dystrophy type 2J. Last evaluated: 2022-10-11. Review status: criteria provided, single submitter. Criteria: Invitae Variant Classification Sherloc (09022015). Collection method: clinical testing. Allele origin: germline.
Comment: This sequence change replaces glutamic acid, which is acidic and polar, with lysine, which is basic and polar, at codon 35592 of the TTN protein (p.Glu35592Lys). This variant is not present in population databases (gnomAD no frequency). In summary, the available evidence is currently insufficient to determine the role of this variant in disease. Therefore, it has been classified as a Variant of Uncertain Significance. Experimental studies and prediction algorithms are not available or were not evaluated, and the functional significance of this variant is currently unknown. This variant has not been reported in the literature in individuals affected with TTN-related conditions.

NM_001267550.2(TTN):c.106774G>A (p.Glu35592Lys)

Genes: TTN (titin; minus strand), TTN-AS1 (TTN antisense RNA 1; plus strand). Cytogenetic location: 2q31.2.
Variant type: single nucleotide variant.
Coding change: c.106774G>A on transcript NM_001267550.2 (MANE Select); coding-DNA position 106774, G replaced by A.
Protein change: p.Glu35592Lys; replaces glutamic acid 35592 with lysine.
Molecular consequence: missense variant.
Genome position (GRCh38, 1-based): chr2:178,528,977, C>T on the plus strand (G>A on the coding strand, the complement: TTN is on the minus strand). VCF-style: chr2-178528977-C-T. GRCh37 (hg19) VCF-style: chr2-179393704-C-T.
Other names: c.101851G>A, p.Glu33951Lys (NM_001256850.1); c.79579G>A, p.Glu26527Lys (NM_003319.4); c.99070G>A, p.Glu33024Lys (NM_133378.4); c.79954G>A, p.Glu26652Lys (NM_133432.3); c.80155G>A, p.Glu26719Lys (NM_133437.4); short protein forms E26719K, E33951K, E26527K, E33024K, E35592K, E26652K.
Identifiers: ClinVar variation 1961555 (VCV001961555.6), dbSNP rs2468306863, ClinGen allele CA349403138.
Genomic context (GRCh38, chr2:178,528,977, plus strand): 5'-ATGCTTTAATCTCAGCATGAGTTCTGACTTCTTCTGATGCCTGTGATGTTTTAGTGATTT[C>T]CTCATGGACAATGGATTTTTCCAGGGAGGTTGCTGCTGATTTCTTGACTTCTTCAGAAAT-3'
Protein context (NP_001254479.2, residues 35582-35602): TSLEKSIVHE[Glu35592Lys]ITKTSQASEE